The following is an entry in ClinVar:

NM_177438.3(DICER1):c.1861GGT[1] (p.Gly622del)

Gene: DICER1 (dicer 1, ribonuclease III; minus strand). Cytogenetic location: 14q32.13.
Variant type: Microsatellite.
Coding change: c.1861GGT[1] on transcript NM_177438.3 (MANE Select); one copy of the 3-base unit GGT starting at c.1861; the reference has two copies in a row; one copy, 3 bases deleted.
Protein change: p.Gly622del; deletes glycine 622.
Molecular consequence: inframe deletion.
Genome position (GRCh38, 1-based): chr14:95,115,708-95,115,710, ACC deleted on the plus strand (GGT on the coding strand, the reverse complement: DICER1 is on the minus strand); deleting any 3 consecutive bases within chr14:95,115,708-95,115,714 gives the same sequence; the position shown is the placement nearest the transcript's 3' end. VCF-style (leftmost placement, unchanged base first): chr14-95115707-GACC-G. GRCh37 (hg19) VCF-style: chr14-95582044-GACC-G.
Other names: c.1864_1866delGGT (NM_177438.2); c.1861GGT[1], p.Gly622del (NM_001195573.1, NM_001271282.3, NM_001291628.2 and 1 more transcripts); short protein forms G622del.
Identifiers: ClinVar variation 582372 (VCV000582372.12), dbSNP rs1566788407, ClinGen allele CA891844308.
Genomic context (GRCh38, chr14:95,115,707, plus strand): 5'-CAAATGATATGATGCCATACCTATTGATGTGTCCAATGGCCGTGTTGATTGTGACTCGTG[GACC>G]ACCATCGTCAGGCCTCAACACATATGGTGGGAAAACGTCATCATCATCCATGACAGGATC-3'

ClinVar aggregate classification (germline): Uncertain significance. Review status: criteria provided, multiple submitters, no conflicts (2 of 4 stars). 2 submissions from 2 submitters: Uncertain significance (2). Last evaluated 2025-12-10.

Conditions:
Hereditary cancer-predisposing syndrome. Also called: Neoplastic Syndromes, Hereditary; Hereditary Cancer Syndrome; Tumor predisposition; Hereditary neoplastic syndrome. Identifiers: Orphanet 140162, MedGen C0027672, MeSH D009386, MONDO:0015356.
DICER1-related tumor predisposition. Also called: DICER1 syndrome; DICER1-related pleuropulmonary blastoma cancer predisposition syndrome. Identifiers: Orphanet 284343, MedGen C3839822, MONDO:0100216.

Submissions (2):

Ambry Genetics
Classification: Uncertain significance for Hereditary cancer-predisposing syndrome. Last evaluated: 2025-12-10. Review status: criteria provided, single submitter. Criteria: Ambry Variant Classification Scheme 2023. Collection method: clinical testing. Allele origin: germline.
Comment: The c.1864_1866delGGT variant (also known as p.G622del) is located in coding exon 10 of the DICER1 gene. This variant results from an in-frame GGT deletion at nucleotide positions 1864 to 1866. This results in the in-frame deletion of a glycine at codon 622. This amino acid position is well conserved in available vertebrate species. In addition, this variant is predicted to be neutral by in silico analysis (Choi Y et al. PLoS ONE. 2012; 7(10):e46688). Since supporting evidence is limited at this time, the clinical significance of this alteration remains unclear.

Labcorp Genetics (formerly Invitae), Labcorp
Classification: Uncertain significance for DICER1-related tumor predisposition. Last evaluated: 2024-01-30. Review status: criteria provided, single submitter. Criteria: Invitae Variant Classification Sherloc (09022015). Collection method: clinical testing. Allele origin: germline.
Comment: This variant, c.1864_1866del, results in the deletion of 1 amino acid(s) of the DICER1 protein (p.Gly622del), but otherwise preserves the integrity of the reading frame. This variant is not present in population databases (gnomAD no frequency). This variant has not been reported in the literature in individuals affected with DICER1-related conditions. ClinVar contains an entry for this variant (Variation ID: 582372). Experimental studies and prediction algorithms are not available or were not evaluated, and the functional significance of this variant is currently unknown. In summary, the available evidence is currently insufficient to determine the role of this variant in disease. Therefore, it has been classified as a Variant of Uncertain Significance.